The following is an entry in ClinVar:

ClinVar aggregate classification (germline): Uncertain significance (1 of 4 stars; one submission).

Submission:

GeneDx
Classification: Uncertain significance. Last evaluated: 2025-09-30. Review status: criteria provided, single submitter. Criteria: GeneDx Variant Classification Process June 2021. Collection method: clinical testing. Allele origin: germline.
Comment: Not observed at significant frequency in large population cohorts (gnomAD); In silico analysis supports that this missense variant has a deleterious effect on protein structure/function; Has not been previously published as pathogenic or benign to our knowledge

NM_032217.5(ANKRD17):c.1526G>A (p.Arg509Gln)

Gene: ANKRD17 (ankyrin repeat domain 17; minus strand). Cytogenetic location: 4q13.3.
Variant type: single nucleotide variant.
Coding change: c.1526G>A on transcript NM_032217.5 (MANE Select); coding-DNA position 1526, G replaced by A.
Protein change: p.Arg509Gln; replaces arginine 509 with glutamine.
Molecular consequence: missense variant.
Genome position (GRCh38, 1-based): chr4:73,148,854, C>T on the plus strand (G>A on the coding strand, the complement: ANKRD17 is on the minus strand). VCF-style: chr4-73148854-C-T. GRCh37 (hg19) VCF-style: chr4-74014571-C-T.
Other names: c.1187G>A, p.Arg396Gln (NM_001286771.3); c.1526G>A, p.Arg509Gln (NM_015574.2, NM_198889.3); short protein forms R396Q, R509Q.
Identifiers: ClinVar variation 3365233 (VCV003365233.2).